The following is an entry in ClinVar:

ClinVar aggregate classification (germline): Uncertain significance. Review status: criteria provided, multiple submitters, no conflicts (2 of 4 stars). 2 submissions from 2 submitters: Uncertain significance (2). Last evaluated 2025-12-22.

Conditions:
Charcot-Marie-Tooth disease type 2. Also called: Charcot-Marie-Tooth type 2. Identifiers: Orphanet 64746, MedGen C0270914, MONDO:0018993.
Inborn genetic diseases. Identifiers: MedGen C0950123, MeSH D030342.

Allele frequency attached by ClinVar (database versions not stated): ExAC 0.00001; gnomAD 0.00004 and 0.00006; TOPMed 0.00006; gnomAD exomes 0.00002.

Submissions (2):

Labcorp Genetics (formerly Invitae), Labcorp
Classification: Uncertain significance for Charcot-Marie-Tooth disease type 2. Last evaluated: 2025-12-22. Review status: criteria provided, single submitter. Criteria: Invitae Variant Classification Sherloc (09022015). Collection method: clinical testing. Allele origin: germline.
Comment: This sequence change replaces arginine, which is basic and polar, with tryptophan, which is neutral and slightly polar, at codon 314 of the AARS protein (p.Arg314Trp). This variant is present in population databases (rs753667245, gnomAD 0.02%). This variant has not been reported in the literature in individuals affected with AARS-related conditions. ClinVar contains an entry for this variant (Variation ID: 1682268). Invitae Evidence Modeling of protein sequence and biophysical properties (such as structural, functional, and spatial information, amino acid conservation, physicochemical variation, residue mobility, and thermodynamic stability) has been performed for this missense variant. However, the output from this modeling did not meet the statistical confidence thresholds required to predict the impact of this variant on AARS protein function. In summary, the available evidence is currently insufficient to determine the role of this variant in disease. Therefore, it has been classified as a Variant of Uncertain Significance.

Ambry Genetics
Classification: Uncertain significance for Inborn genetic diseases. Last evaluated: 2024-03-18. Review status: criteria provided, single submitter. Criteria: Ambry Variant Classification Scheme 2023. Collection method: clinical testing. Allele origin: germline.

NM_001605.3(AARS1):c.940C>T (p.Arg314Trp)

Gene: AARS1 (alanyl-tRNA synthetase 1; minus strand). Cytogenetic location: 16q22.1.
Variant type: single nucleotide variant.
Coding change: c.940C>T on transcript NM_001605.3 (MANE Select); coding-DNA position 940, C replaced by T.
Protein change: p.Arg314Trp; replaces arginine 314 with tryptophan.
Molecular consequence: missense variant.
Genome position (GRCh38, 1-based): chr16:70,269,640, G>A on the plus strand (C>T on the coding strand, the complement: AARS1 is on the minus strand). VCF-style: chr16-70269640-G-A. GRCh37 (hg19) VCF-style: chr16-70303543-G-A.
Other names: c.940C>T (NM_001605.2); short protein forms R314W.
Identifiers: ClinVar variation 1682268 (VCV001682268.9), dbSNP rs753667245, ClinGen allele CA8141000.